The following is an entry in ClinVar:

NM_003073.5(SMARCB1):c.745C>A (p.Pro249Thr)

Gene: SMARCB1 (SWI/SNF related BAF chromatin remodeling complex subunit B1; plus strand). Cytogenetic location: 22q11.23.
Variant type: single nucleotide variant.
Coding change: c.745C>A on transcript NM_003073.5 (MANE Select); coding-DNA position 745, C replaced by A.
Protein change: p.Pro249Thr; replaces proline 249 with threonine.
Molecular consequence: missense variant.
Genome position (GRCh38, 1-based): chr22:23,816,886, C>A. VCF-style: chr22-23816886-C-A. GRCh37 (hg19) VCF-style: chr22-24159073-C-A.
Other names: c.718C>A, p.Pro240Thr (NM_001007468.3); c.772C>A, p.Pro258Thr (NM_001317946.2); c.799C>A, p.Pro267Thr (NM_001362877.2); short protein forms P240T, P258T, P267T, P249T.
Identifiers: ClinVar variation 3958535 (VCV003958535.1).
Genomic context (GRCh38, chr22:23,816,886, plus strand): 5'-AACCCGCTGACGTTTGTGCCAGCCATCGCCTCTGCCATCAGACAGCAGATCGAGTCCTAC[C>A]CCACGGACAGCATCCTGGAGGACCAGTCAGACCAGCGCGTCATCATCAAGGTAGGTGACT-3'
Protein context (NP_003064.2, residues 239-259): SAIRQQIESY[Pro249Thr]TDSILEDQSD

ClinVar aggregate classification (germline): Uncertain significance (1 of 4 stars; one submission).

Conditions:
Hereditary cancer-predisposing syndrome. Also called: Tumor predisposition; Hereditary neoplastic syndrome; Hereditary Cancer Syndrome; Neoplastic Syndromes, Hereditary. Identifiers: Orphanet 140162, MedGen C0027672, MeSH D009386, MONDO:0015356.

Submission:

Ambry Genetics
Classification: Uncertain significance for Hereditary cancer-predisposing syndrome. Last evaluated: 2025-06-08. Review status: criteria provided, single submitter. Criteria: Ambry Variant Classification Scheme 2023. Collection method: clinical testing. Allele origin: germline.
Comment: The p.P249T variant (also known as c.745C>A), located in coding exon 6 of the SMARCB1 gene, results from a C to A substitution at nucleotide position 745. The proline at codon 249 is replaced by threonine, an amino acid with highly similar properties. This amino acid position is conserved. In addition, the in silico prediction for this alteration is inconclusive. Based on the available evidence, the clinical significance of this variant remains unclear.